The following is an entry in ClinVar:

ClinVar aggregate classification (germline): Uncertain significance (1 of 4 stars; one submission).

Conditions:
Kabuki syndrome. Also called: NIIKAWA-KUROKI SYNDROME; Kabuki make-up syndrome. Identifiers: Orphanet 2322, MedGen C0796004, MONDO:0016512.

Submission:

Labcorp Genetics (formerly Invitae), Labcorp
Classification: Uncertain significance for Kabuki syndrome. Last evaluated: 2025-12-21. Review status: criteria provided, single submitter. Criteria: Invitae Variant Classification Sherloc (09022015). Collection method: clinical testing. Allele origin: germline.
Comment: This sequence change replaces glycine, which is neutral and non-polar, with serine, which is neutral and polar, at codon 3533 of the KMT2D protein (p.Gly3533Ser). This variant is not present in population databases (gnomAD no frequency). This variant has not been reported in the literature in individuals affected with KMT2D-related conditions. Invitae Evidence Modeling of protein sequence and biophysical properties (such as structural, functional, and spatial information, amino acid conservation, physicochemical variation, residue mobility, and thermodynamic stability) indicates that this missense variant is not expected to disrupt KMT2D protein function with a negative predictive value of 95%. In summary, the available evidence is currently insufficient to determine the role of this variant in disease. Therefore, it has been classified as a Variant of Uncertain Significance.

NM_003482.4(KMT2D):c.10597G>A (p.Gly3533Ser)

Gene: KMT2D (lysine methyltransferase 2D; minus strand). Cytogenetic location: 12q13.12.
Variant type: single nucleotide variant.
Coding change: c.10597G>A on transcript NM_003482.4 (MANE Select); coding-DNA position 10597, G replaced by A.
Protein change: p.Gly3533Ser; replaces glycine 3533 with serine.
Molecular consequence: missense variant.
Genome position (GRCh38, 1-based): chr12:49,034,210, C>T on the plus strand (G>A on the coding strand, the complement: KMT2D is on the minus strand). VCF-style: chr12-49034210-C-T. GRCh37 (hg19) VCF-style: chr12-49427993-C-T.
Other names: short protein forms G3533S.
Identifiers: ClinVar variation 4801211 (VCV004801211.1).
Genomic context (GRCh38, chr12:49,034,210, plus strand): 5'-CAGCTTTTTTGGCAGTGCGCTGCTTGGCACACAGAGCCTTCCGGGACTTGCGGTGTACAC[C>T]AATCTGCTCCTCTAGCACCTTCAGCTGCATCTGTAGGAGCTGCTGGGTATGGAACAGCCA-3'
Protein context (NP_003473.3, residues 3523-3543): MQLKVLEEQI[Gly3533Ser]VHRKSRKALC